The following is an entry in ClinVar:

NM_001277115.2(DNAH11):c.1956C>T (p.Phe652=)

Gene: DNAH11 (dynein axonemal heavy chain 11; plus strand). Cytogenetic location: 7p15.3.
Variant type: single nucleotide variant.
Coding change: c.1956C>T on transcript NM_001277115.2 (MANE Select); coding-DNA position 1956, C replaced by T.
Protein change: p.Phe652=; no amino-acid change (phenylalanine 652 retained).
Molecular consequence: synonymous variant.
Genome position (GRCh38, 1-based): chr7:21,588,619, C>T. VCF-style: chr7-21588619-C-T. GRCh37 (hg19) VCF-style: chr7-21628237-C-T.
Other names: p.Phe652=.
Identifiers: ClinVar variation 163097 (VCV000163097.29), dbSNP rs6963535, ClinGen allele CA175706.

ClinVar aggregate classification (germline): Benign/Likely benign. Review status: criteria provided, multiple submitters, no conflicts (2 of 4 stars). 9 submissions from 9 submitters: Benign (5); Likely benign (2). 2 of the submissions do not count toward it. Last evaluated 2026-02-04.

Conditions:
Primary ciliary dyskinesia. Also called: Ciliary dyskinesia. Identifiers: Orphanet 244, MedGen C0008780, MONDO:0016575, HP:0012265.
Primary ciliary dyskinesia 7. Also called: CILIARY DYSKINESIA, PRIMARY, 7, WITH OR WITHOUT SITUS INVERSUS. Identifiers: Orphanet 244, MedGen C2678473, MONDO:0012748, OMIM 611884.

Allele frequency attached by ClinVar (database versions not stated): gnomAD exomes 0.98862 and 0.99055; ESP Exome Variant Server 0.99013; ExAC 0.99043; 1000 Genomes Project 0.99062; TOPMed 0.99165; 1000 Genomes Project 30x 0.99188; gnomAD 0.99199 and 0.99232.
gnomAD v4.1: 1,595,515 of 1,613,386 alleles (99%); highest among the groups gnomAD compares: East Asian, 100%; 788,992 homozygotes.

Submissions (9):

Labcorp Genetics (formerly Invitae), Labcorp
Classification: Benign for Primary ciliary dyskinesia. Last evaluated: 2026-02-04. Review status: criteria provided, single submitter. Criteria: Invitae Variant Classification Sherloc (09022015). Collection method: clinical testing. Allele origin: germline.

Mayo Clinic Laboratories, Mayo Clinic
Classification: Likely benign. Last evaluated: 2025-05-27. Review status: criteria provided, single submitter. Criteria: ACMG Guidelines, 2015. Collection method: clinical testing. Allele origin: germline. Observed: 206 variant alleles.

Blueprint Genetics
Classification: Likely benign. Last evaluated: 2024-11-27. Review status: criteria provided, single submitter. Criteria: ACMG Guidelines, 2015. Collection method: clinical testing. Allele origin: germline.

Genome-Nilou Lab
Classification: Benign for Primary ciliary dyskinesia 7. Last evaluated: 2021-07-30. Review status: criteria provided, single submitter. Criteria: ACMG Guidelines, 2015. Collection method: clinical testing. Allele origin: germline. Affected: no.

GeneDx
Classification: Benign. Last evaluated: 2018-12-19. Review status: criteria provided, single submitter. Criteria: GeneDx Variant Classification Process June 2021. Collection method: clinical testing. Allele origin: germline. Affected: yes.

Laboratory for Molecular Medicine, Mass General Brigham Personalized Medicine
Classification: Benign. Last evaluated: 2013-02-21. Review status: criteria provided, single submitter. Criteria: LMM Criteria. Collection method: clinical testing. Allele origin: germline. Observed: 106 variant alleles.
Comment: Phe652Phe in exon 11 of DNAH11: This variant is not expected to have clinical si gnificance because it does not alter an amino acid residue and is not located wi thin the splice consensus sequence. It has been identified in 1.3% (108/8220) of European American chromosomes from a broad population by the NHLBI Exome Sequen cing Project (dbSNP rs6963535).

PreventionGenetics, part of Exact Sciences
Classification: Benign. Review status: criteria provided, single submitter. Criteria: ACMG Guidelines, 2015. Collection method: clinical testing. Allele origin: germline.

Clinical Genetics DNA and cytogenetics Diagnostics Lab, Erasmus MC, Erasmus Medical Center
Classification: Benign. Review status: no assertion criteria provided. Collection method: clinical testing. Allele origin: germline. Affected: yes. Study: VKGL Data-share Consensus. Not counted in ClinVar's aggregate classification.

Diagnostic Laboratory, Department of Genetics, University Medical Center Groningen
Classification: Benign. Review status: no assertion criteria provided. Collection method: clinical testing. Allele origin: germline. Affected: yes. Study: VKGL Data-share Consensus. Not counted in ClinVar's aggregate classification.